The following is an entry in ClinVar:

ClinVar aggregate classification (germline): Uncertain significance (1 of 4 stars; one submission).

Conditions:
Xanthinuria type II. Also called: Xanthine dehydrogenase and aldehyde oxidase combined deficiency of; XDH and AOX dual deficiency. Identifiers: Orphanet 3467, Orphanet 93602, MedGen C1863688, MONDO:0011346, OMIM 603592.

Allele frequency attached by ClinVar (database versions not stated): ExAC 0.00007; gnomAD exomes 0.00008 and 0.00013; TOPMed 0.00009; gnomAD 0.00011; ESP Exome Variant Server 0.00023.
gnomAD v4.1: 206 of 1,614,052 alleles (0.013%); highest among the groups gnomAD compares: Non-Finnish European, 0.017%; no homozygotes.

Submission:

Labcorp Genetics (formerly Invitae), Labcorp
Classification: Uncertain significance for Xanthinuria type II. Last evaluated: 2021-11-13. Review status: criteria provided, single submitter. Criteria: Invitae Variant Classification Sherloc (09022015). Collection method: clinical testing. Allele origin: germline.
Comment: This sequence change replaces threonine, which is neutral and polar, with alanine, which is neutral and non-polar, at codon 1045 of the XDH protein (p.Thr1045Ala). In summary, the available evidence is currently insufficient to determine the role of this variant in disease. Therefore, it has been classified as a Variant of Uncertain Significance. Algorithms developed to predict the effect of missense changes on protein structure and function (SIFT, PolyPhen-2, Align-GVGD) all suggest that this variant is likely to be disruptive. This variant has not been reported in the literature in individuals affected with XDH-related conditions. This variant is present in population databases (rs142402298, gnomAD 0.02%).

NM_000379.4(XDH):c.3133A>G (p.Thr1045Ala)

Gene: XDH (xanthine dehydrogenase; minus strand). Cytogenetic location: 2p23.1.
Variant type: single nucleotide variant.
Coding change: c.3133A>G on transcript NM_000379.4 (MANE Select); coding-DNA position 3133, A replaced by G.
Protein change: p.Thr1045Ala; replaces threonine 1045 with alanine.
Molecular consequence: missense variant.
Genome position (GRCh38, 1-based): chr2:31,348,282, T>C on the plus strand (A>G on the coding strand, the complement: XDH is on the minus strand). VCF-style: chr2-31348282-T-C. GRCh37 (hg19) VCF-style: chr2-31571148-T-C.
Other names: short protein forms T1045A.
Identifiers: ClinVar variation 1370843 (VCV001370843.4), dbSNP rs142402298, ClinGen allele CA1598545.